The following is an entry in ClinVar:

NM_020442.6(VARS2):c.1065G>A (p.Ser355=)

Gene: VARS2 (valyl-tRNA synthetase 2, mitochondrial; plus strand). Cytogenetic location: 6p21.33.
Variant type: single nucleotide variant.
Coding change: c.1065G>A on transcript NM_020442.6 (MANE Select); coding-DNA position 1065, G replaced by A.
Protein change: p.Ser355=; no amino-acid change (serine 355 retained).
Molecular consequence: synonymous variant.
Genome position (GRCh38, 1-based): chr6:30,918,906, G>A. VCF-style: chr6-30918906-G-A. GRCh37 (hg19) VCF-style: chr6-30886683-G-A.
Other names: c.645G>A, p.Ser215= (NM_001167733.3); c.1155G>A, p.Ser385= (NM_001167734.2).
Identifiers: ClinVar variation 382790 (VCV000382790.35), dbSNP rs151183326, ClinGen allele CA3705791.

ClinVar aggregate classification (germline): Benign/Likely benign. Review status: criteria provided, multiple submitters, no conflicts (2 of 4 stars). 5 submissions from 5 submitters: Benign (2); Likely benign (3). Last evaluated 2025-10-14.

Conditions:
VARS2-related disorder. Also called: VARS2-related disorders; VARS2-related condition.

Allele frequency attached by ClinVar (database versions not stated): gnomAD exomes 0.00015 and 0.00056; ExAC 0.00073; gnomAD 0.00241 and 0.00251; TOPMed 0.00267; ESP Exome Variant Server 0.00284; 1000 Genomes Project 0.00359; 1000 Genomes Project 30x 0.00422.

Submissions (5):

Labcorp Genetics (formerly Invitae), Labcorp
Classification: Benign. Last evaluated: 2025-10-14. Review status: criteria provided, single submitter. Criteria: Invitae Variant Classification Sherloc (09022015). Collection method: clinical testing. Allele origin: germline.

PreventionGenetics, part of Exact Sciences
Classification: Benign for VARS2-related condition. Last evaluated: 2025-07-11. Review status: criteria provided, single submitter. Criteria: ACMG Guidelines, 2015. Collection method: clinical testing. Allele origin: germline.
Comment: This variant is classified as benign based on ACMG/AMP sequence variant interpretation guidelines (Richards et al. 2015 PMID: 25741868, with internal and published modifications).

CeGaT Center for Human Genetics Tuebingen
Classification: Likely benign. Last evaluated: 2025-06-01. Review status: criteria provided, single submitter. Criteria: CeGaT Center For Human Genetics Tuebingen Variant Classification Criteria Version 2. Collection method: clinical testing. Allele origin: germline. Affected: yes. Observed: 2 variant alleles.
Comment: VARS2: BP4, BP7

Blueprint Genetics
Classification: Likely benign. Last evaluated: 2024-07-30. Review status: criteria provided, single submitter. Criteria: ACMG Guidelines, 2015. Collection method: clinical testing. Allele origin: germline.

GeneDx
Classification: Likely benign. Last evaluated: 2021-02-24. Review status: criteria provided, single submitter. Criteria: GeneDx Variant Classification Process June 2021. Collection method: clinical testing. Allele origin: germline. Affected: yes.